The following is an entry in ClinVar:

NM_001083962.2(TCF4):c.1350+122G>A

Gene: TCF4 (transcription factor 4; minus strand). Cytogenetic location: 18q21.2.
Variant type: single nucleotide variant.
Coding change: c.1350+122G>A on transcript NM_001083962.2 (MANE Select); 122 bases into the intron after coding-DNA position 1350, G replaced by A.
Molecular consequence: intron variant.
Genome position (GRCh38, 1-based): chr18:55,254,375, C>T on the plus strand (G>A on the coding strand, the complement: TCF4 is on the minus strand). VCF-style: chr18-55254375-C-T. GRCh37 (hg19) VCF-style: chr18-52921606-C-T.
Other names: c.1656+122G>A (NM_001243226.3); c.1275+122G>A (NM_001369584.1, NM_001369576.1, NM_001369577.1 and 6 more transcripts); c.1278+122G>A (NM_001369582.1, NM_001243227.2, NM_001369583.1 and 5 more transcripts); c.1281+122G>A (NM_001369586.1); c.1350+122G>A (NM_001369571.1, NM_001369567.1, NM_001369572.1 and 2 more transcripts); c.1368+122G>A (NM_001243228.2); c.1341+122G>A (NM_001243230.2); c.1347+122G>A (NM_001369569.1, NM_001369573.1, NM_001369570.1 and 2 more transcripts); and 6 more.
Identifiers: ClinVar variation 674223 (VCV000674223.2), dbSNP rs1539950, ClinGen allele CA15919792.
Genomic context (GRCh38, chr18:55,254,375, plus strand): 5'-GGTTGCACAACCTTGTAAATACACTAAAACACTTGAATTGTACACCTGAAATGGGCTCAT[C>T]GTATGTTAAGTGAATTATATCTCAATAAAGCTGATTTTTTAAAAAACAGCAACAATAGTA-3'

ClinVar aggregate classification (germline): Benign. Review status: criteria provided, multiple submitters, no conflicts (2 of 4 stars). 2 submissions from 2 submitters: Benign (2). Last evaluated 2018-06-14.

Allele frequency attached by ClinVar (database versions not stated): 1000 Genomes Project 30x 0.21861; 1000 Genomes Project 0.22085; TOPMed 0.24143; gnomAD 0.24914 and 0.25109; gnomAD exomes 0.27071.
gnomAD v4.1: 243,264 of 909,596 alleles (27%); highest among the groups gnomAD compares: East Asian, 29%; 33,617 homozygotes.

Submissions (2):

GeneDx
Classification: Benign. Last evaluated: 2018-06-14. Review status: criteria provided, single submitter. Criteria: GeneDx Variant Classification (06012015). Collection method: clinical testing. Allele origin: germline. Affected: yes.
Comment: This variant is considered likely benign or benign based on one or more of the following criteria: it is a conservative change, it occurs at a poorly conserved position in the protein, it is predicted to be benign by multiple in silico algorithms, and/or has population frequency not consistent with disease.

Breakthrough Genomics
Classification: Benign. Review status: criteria provided, single submitter. Criteria: ACMG Guidelines, 2015. Collection method: not provided. Allele origin: germline. Inheritance: Autosomal dominant inheritance. Affected: yes.